The following is an entry in ClinVar:

ClinVar aggregate classification (germline): Uncertain significance (1 of 4 stars; one submission).

Conditions:
Congenital contractural arachnodactyly (CCA). Also called: BEALS SYNDROME; Beals-Hecht syndrome; Arthrogryposis, distal, type 9. Identifiers: Orphanet 115, MedGen C0220668, MONDO:0007363, OMIM 121050.

Allele frequency attached by ClinVar (database versions not stated): gnomAD exomes below 0.00001.
gnomAD v4.1: 2 of 1,614,172 alleles (0.00012%); highest among the groups gnomAD compares: Non-Finnish European, 0.00017%; no homozygotes.

Submission:

Labcorp Genetics (formerly Invitae), Labcorp
Classification: Uncertain significance for Congenital contractural arachnodactyly. Last evaluated: 2023-11-01. Review status: criteria provided, single submitter. Criteria: Invitae Variant Classification Sherloc (09022015). Collection method: clinical testing. Allele origin: germline.
Comment: This sequence change replaces isoleucine, which is neutral and non-polar, with asparagine, which is neutral and polar, at codon 461 of the FBN2 protein (p.Ile461Asn). This variant is not present in population databases (gnomAD no frequency). This variant has not been reported in the literature in individuals affected with FBN2-related conditions. Advanced modeling of protein sequence and biophysical properties (such as structural, functional, and spatial information, amino acid conservation, physicochemical variation, residue mobility, and thermodynamic stability) performed at Invitae indicates that this missense variant is not expected to disrupt FBN2 protein function with a negative predictive value of 95%. In summary, the available evidence is currently insufficient to determine the role of this variant in disease. Therefore, it has been classified as a Variant of Uncertain Significance.

NM_001999.4(FBN2):c.1382T>A (p.Ile461Asn)

Gene: FBN2 (fibrillin 2; minus strand). Cytogenetic location: 5q23.3.
Variant type: single nucleotide variant.
Coding change: c.1382T>A on transcript NM_001999.4 (MANE Select); coding-DNA position 1382, T replaced by A.
Protein change: p.Ile461Asn; replaces isoleucine 461 with asparagine.
Molecular consequence: missense variant.
Genome position (GRCh38, 1-based): chr5:128,393,218, A>T on the plus strand (T>A on the coding strand, the complement: FBN2 is on the minus strand). VCF-style: chr5-128393218-A-T. GRCh37 (hg19) VCF-style: chr5-127728911-A-T.
Other names: short protein forms I461N.
Identifiers: ClinVar variation 2773262 (VCV002773262.3), dbSNP rs1752566025, ClinGen allele CA360749219.